The following is an entry in ClinVar:

NM_001283.5(AP1S1):c.183-5C>T

Genes: AP1S1 (adaptor related protein complex 1 subunit sigma 1; plus strand), LOC126860125 (BRD4-independent group 4 enhancer GRCh37_chr7:100799642-100800841; plus strand). Cytogenetic location: 7q22.1.
Variant type: single nucleotide variant.
Coding change: c.183-5C>T on transcript NM_001283.5 (MANE Select); 5 bases into the intron before coding-DNA position 183, C replaced by T.
Molecular consequence: intron variant.
Genome position (GRCh38, 1-based): chr7:101,157,372, C>T. VCF-style: chr7-101157372-C-T. GRCh37 (hg19) VCF-style: chr7-100800653-C-T.
Identifiers: ClinVar variation 2070833 (VCV002070833.7), dbSNP rs371572977, ClinGen allele CA4405948.

ClinVar aggregate classification (germline): Conflicting classifications of pathogenicity. Review status: criteria provided, conflicting classifications (1 of 4 stars). 3 submissions from 3 submitters: Uncertain significance (1); Likely benign (1). 1 of the submissions does not count toward it. Last evaluated 2026-01-05.

Conditions:
Inborn genetic diseases. Identifiers: MedGen C0950123, MeSH D030342.
AP1S1-related disorder. Also called: AP1S1-related condition.

Allele frequency attached by ClinVar (database versions not stated): gnomAD exomes 0.00002; TOPMed 0.00003; ExAC 0.00004; gnomAD 0.00005; ESP Exome Variant Server 0.00008.
gnomAD v4.1: 50 of 1,560,716 alleles (0.0032%); highest among the groups gnomAD compares: South Asian, 0.024%; no homozygotes.

Submissions (3):

Labcorp Genetics (formerly Invitae), Labcorp
Classification: Likely benign. Last evaluated: 2026-01-05. Review status: criteria provided, single submitter. Criteria: Invitae Variant Classification Sherloc (09022015). Collection method: clinical testing. Allele origin: germline.

Ambry Genetics
Classification: Uncertain significance for Inborn genetic diseases. Last evaluated: 2022-01-18. Review status: criteria provided, single submitter. Criteria: Ambry Variant Classification Scheme 2023. Collection method: clinical testing. Allele origin: germline.
Comment: The c.183-5C>T intronic alteration consists of a C to T substitution 5 nucleotides before exon 3 of the AP1S1 gene. Based on insufficient or conflicting evidence, the clinical significance of this alteration remains unclear.

PreventionGenetics, part of Exact Sciences
Classification: Likely benign for AP1S1-related condition. Last evaluated: 2019-07-15. Review status: no assertion criteria provided. Collection method: clinical testing. Allele origin: germline. Not counted in ClinVar's aggregate classification.
Comment: This variant is classified as likely benign based on ACMG/AMP sequence variant interpretation guidelines (Richards et al. 2015 PMID: 25741868, with internal and published modifications).